The following is an entry in ClinVar:

ClinVar aggregate classification (germline): Uncertain significance (1 of 4 stars; one submission).

Conditions:
Bethlem myopathy 1A. Also called: MYOPATHY, BENIGN CONGENITAL, WITH CONTRACTURES; Bethlem Muscular Dystrophy; Bethlem myopathy 1. Identifiers: Orphanet 610, MedGen CN029274, MONDO:0024530, OMIM 158810.

Submission:

Labcorp Genetics (formerly Invitae), Labcorp
Classification: Uncertain significance for Bethlem myopathy 1A. Last evaluated: 2022-07-17. Review status: criteria provided, single submitter. Criteria: Invitae Variant Classification Sherloc (09022015). Collection method: clinical testing. Allele origin: germline.
Comment: This sequence change replaces proline, which is neutral and non-polar, with alanine, which is neutral and non-polar, at codon 2363 of the COL6A3 protein (p.Pro2363Ala). This variant is not present in population databases (gnomAD no frequency). This variant has not been reported in the literature in individuals affected with COL6A3-related conditions. Advanced modeling of protein sequence and biophysical properties (such as structural, functional, and spatial information, amino acid conservation, physicochemical variation, residue mobility, and thermodynamic stability) performed at Invitae indicates that this missense variant is not expected to disrupt COL6A3 protein function. In summary, the available evidence is currently insufficient to determine the role of this variant in disease. Therefore, it has been classified as a Variant of Uncertain Significance.

NM_004369.4(COL6A3):c.7087C>G (p.Pro2363Ala)

Gene: COL6A3 (collagen type VI alpha 3 chain; minus strand). Cytogenetic location: 2q37.3.
Variant type: single nucleotide variant.
Coding change: c.7087C>G on transcript NM_004369.4 (MANE Select); coding-DNA position 7087, C replaced by G.
Protein change: p.Pro2363Ala; replaces proline 2363 with alanine.
Molecular consequence: missense variant.
Genome position (GRCh38, 1-based): chr2:237,346,508, G>C on the plus strand (C>G on the coding strand, the complement: COL6A3 is on the minus strand). VCF-style: chr2-237346508-G-C. GRCh37 (hg19) VCF-style: chr2-238255151-G-C.
Other names: c.5266C>G, p.Pro1756Ala (NM_057166.5); c.6469C>G, p.Pro2157Ala (NM_057167.4); short protein forms P1756A, P2157A, P2363A.
Identifiers: ClinVar variation 1717057 (VCV001717057.6), dbSNP rs2469821966, ClinGen allele CA351206268.
Genomic context (GRCh38, chr2:237,346,508, plus strand): 5'-CACGTGTAAAGCACCCAGCCCCAGGTGGCCGGGTCAGAACTGGATAAATACTTACAGCTG[G>C]TCCTGGGTAGCCAGGGTCTCCCTTCTGTCCAACTATCCCTGGAGGTCCCGAATTTCCCTA-3'
Protein context (NP_004360.2, residues 2353-2373): GQKGDPGYPG[Pro2363Ala]AGPKGNRGDS